The following is an entry in ClinVar:

ClinVar aggregate classification (germline): Benign (1 of 4 stars; one submission).

Allele frequency attached by ClinVar (database versions not stated): gnomAD 0.77922; TOPMed 0.78719; 1000 Genomes Project 0.81430; 1000 Genomes Project 30x 0.81543.
gnomAD v4.1: 118,277 of 152,106 alleles (78%); highest among the groups gnomAD compares: African/African-American, 89%; 46,523 homozygotes.

Submission:

Unidad de Genómica Garrahan, Hospital de Pediatría Garrahan
Classification: Benign. Last evaluated: 2024-01-24. Review status: criteria provided, single submitter. Criteria: ACMG Guidelines, 2015. Collection method: clinical testing. Allele origin: germline. Affected: no. Observed: 66 variant alleles.
Comment: This variant is classified as Benign based on local population frequency. This variant was detected in 69% of patients studied by a panel of primary immunodeficiencies. Number of patients: 66. Only high quality variants are reported.

NM_020458.4(TTC7A):c.1065+3553C>T

Gene: TTC7A (tetratricopeptide repeat domain 7A; plus strand). Cytogenetic location: 2p21.
Variant type: single nucleotide variant.
Coding change: c.1065+3553C>T on transcript NM_020458.4 (MANE Select); 3553 bases into the intron after coding-DNA position 1065, C replaced by T.
Molecular consequence: intron variant.
Genome position (GRCh38, 1-based): chr2:46,998,752, C>T. VCF-style: chr2-46998752-C-T. GRCh37 (hg19) VCF-style: chr2-47225891-C-T.
Other names: c.963+3553C>T (NM_001288953.2); c.1065+3553C>T (NM_001288951.2); c.3+3553C>T (NM_001288955.2).
Identifiers: ClinVar variation 2688024 (VCV002688024.2), dbSNP rs736377, ClinGen allele CA11151377.